The following is an entry in ClinVar:

ClinVar aggregate classification (germline): Benign. Review status: criteria provided, multiple submitters, no conflicts (2 of 4 stars). 2 submissions from 2 submitters: Benign (2). Last evaluated 2018-01-13.

Conditions:
Glycogen storage disease, type I. Identifiers: Orphanet 364, MedGen C0017920, MONDO:0002413.

Allele frequency attached by ClinVar (database versions not stated): TOPMed 0.17957; 1000 Genomes Project 30x 0.18020; 1000 Genomes Project 0.18191; gnomAD 0.18616 and 0.19085; gnomAD exomes 0.19184.

Submissions (2):

Illumina Laboratory Services, Illumina
Classification: Benign for Glycogen storage disease, type I. Last evaluated: 2018-01-13. Review status: criteria provided, single submitter. Criteria: ICSL Variant Classification Criteria 13 December 2019. Collection method: clinical testing. Allele origin: germline.
Comment: This variant was observed in the ICSL laboratory as part of a predisposition screen in an ostensibly healthy population. It had not been previously curated by ICSL or reported in the Human Gene Mutation Database (HGMD: prior to June 1st, 2018), and was therefore a candidate for classification through an automated scoring system. Utilizing variant allele frequency, disease prevalence and penetrance estimates, and inheritance mode, an automated score was calculated to assess if this variant is too frequent to cause the disease. Based on the score and internal cut-off values, a variant classified as benign is not then subjected to further curation. The score for this variant resulted in a classification of benign for this disease.

Breakthrough Genomics
Classification: Benign. Review status: criteria provided, single submitter. Criteria: ACMG Guidelines, 2015. Collection method: not provided. Allele origin: germline. Inheritance: Autosomal recessive inheritance. Affected: yes.

NM_001164277.2(SLC37A4):c.*418T>C

Gene: SLC37A4 (solute carrier family 37 member 4; minus strand). Cytogenetic location: 11q23.3.
Variant type: single nucleotide variant.
Coding change: c.*418T>C on transcript NM_001164277.2 (MANE Select); 418 bases downstream of the stop codon, T replaced by C.
Molecular consequence: 3 prime UTR variant.
Genome position (GRCh38, 1-based): chr11:119,024,492, A>G on the plus strand (T>C on the coding strand, the complement: SLC37A4 is on the minus strand). VCF-style: chr11-119024492-A-G. GRCh37 (hg19) VCF-style: chr11-118895202-A-G.
Other names: c.*418T>C (NM_001164278.2, NM_001164279.2, NM_001164280.2 and 1 more transcripts).
Identifiers: ClinVar variation 302695 (VCV000302695.6), dbSNP rs11006, ClinGen allele CA10637767.